The following is an entry in ClinVar:

ClinVar aggregate classification (germline): Uncertain significance (1 of 4 stars; one submission).

Conditions:
Inborn genetic diseases. Identifiers: MedGen C0950123, MeSH D030342.

Submission:

Ambry Genetics
Classification: Uncertain significance for Inborn genetic diseases. Last evaluated: 2026-04-26. Review status: criteria provided, single submitter. Criteria: Ambry Variant Classification Scheme 2023. Collection method: clinical testing. Allele origin: germline.
Comment: The p.D565V variant (also known as c.1694A>T), located in coding exon 13 of the FANCG gene, results from an A to T substitution at nucleotide position 1694. The aspartic acid at codon 565 is replaced by valine, an amino acid with highly dissimilar properties. This amino acid position is conserved. In addition, this alteration is predicted to be tolerated by in silico analysis. Based on the available evidence, the clinical significance of this variant remains unclear.

NM_004629.2(FANCG):c.1694A>T (p.Asp565Val)

Gene: FANCG (FA complementation group G; minus strand). Cytogenetic location: 9p13.3.
Variant type: single nucleotide variant.
Coding change: c.1694A>T on transcript NM_004629.2 (MANE Select); coding-DNA position 1694, A replaced by T.
Protein change: p.Asp565Val; replaces aspartic acid 565 with valine.
Molecular consequence: missense variant.
Genome position (GRCh38, 1-based): chr9:35,074,437, T>A on the plus strand (A>T on the coding strand, the complement: FANCG is on the minus strand). VCF-style: chr9-35074437-T-A. GRCh37 (hg19) VCF-style: chr9-35074434-T-A.
Other names: short protein forms D565V.
Identifiers: ClinVar variation 4870993 (VCV004870993.1).